The following is an entry in ClinVar:

NM_006904.7(PRKDC):c.1607G>A (p.Ser536Asn)

Gene: PRKDC (protein kinase, DNA-activated, catalytic subunit; minus strand). Cytogenetic location: 8q11.21.
Variant type: single nucleotide variant.
Coding change: c.1607G>A on transcript NM_006904.7 (MANE Select); coding-DNA position 1607, G replaced by A.
Protein change: p.Ser536Asn; replaces serine 536 with asparagine.
Molecular consequence: missense variant.
Genome position (GRCh38, 1-based): chr8:47,933,981, C>T on the plus strand (G>A on the coding strand, the complement: PRKDC is on the minus strand). VCF-style: chr8-47933981-C-T. GRCh37 (hg19) VCF-style: chr8-48846541-C-T.
Other names: c.1607G>A (NM_006904.6); c.1607G>A, p.Ser536Asn (NM_001081640.2); short protein forms S536N.
Identifiers: ClinVar variation 1424568 (VCV001424568.4), dbSNP rs764041628, ClinGen allele CA4741688.

ClinVar aggregate classification (germline): Uncertain significance. Review status: criteria provided, multiple submitters, no conflicts (2 of 4 stars). 2 submissions from 2 submitters: Uncertain significance (2). Last evaluated 2025-06-07.

Conditions:
Severe combined immunodeficiency due to DNA-PKcs deficiency. Also called: IMMUNODEFICIENCY 26 WITH NEUROLOGIC ABNORMALITIES; Immunodeficiency 26 with or without neurologic abnormalities. Identifiers: Orphanet 317425, MedGen C4014833, MONDO:0014423, OMIM 615966.

Allele frequency attached by ClinVar (database versions not stated): ExAC 0.00001; gnomAD exomes 0.00001 and 0.00007; gnomAD 0.00003 and 0.00004; TOPMed 0.00004.
gnomAD v4.1: 101 of 1,612,662 alleles (0.0063%); highest among the groups gnomAD compares: Non-Finnish European, 0.0082%; no homozygotes.

Submissions (2):

Ambry Genetics
Classification: Uncertain significance. Last evaluated: 2025-06-07. Review status: criteria provided, single submitter. Criteria: Ambry Variant Classification Scheme 2023. Collection method: clinical testing. Allele origin: germline.

Labcorp Genetics (formerly Invitae), Labcorp
Classification: Uncertain significance for Severe combined immunodeficiency due to DNA-PKcs deficiency. Last evaluated: 2021-11-23. Review status: criteria provided, single submitter. Criteria: Invitae Variant Classification Sherloc (09022015). Collection method: clinical testing. Allele origin: germline.
Comment: This sequence change replaces serine, which is neutral and polar, with asparagine, which is neutral and polar, at codon 536 of the PRKDC protein (p.Ser536Asn). This variant is present in population databases (rs764041628, gnomAD 0.002%). This variant has not been reported in the literature in individuals affected with PRKDC-related conditions. Experimental studies and prediction algorithms are not available or were not evaluated, and the functional significance of this variant is currently unknown. In summary, the available evidence is currently insufficient to determine the role of this variant in disease. Therefore, it has been classified as a Variant of Uncertain Significance.